The following is an entry in ClinVar:

ClinVar aggregate classification (germline): Uncertain significance (1 of 4 stars; one submission).

Submission:

Labcorp Genetics (formerly Invitae), Labcorp
Classification: Uncertain significance. Last evaluated: 2024-03-10. Review status: criteria provided, single submitter. Criteria: Invitae Variant Classification Sherloc (09022015). Collection method: clinical testing. Allele origin: germline.
Comment: This sequence change replaces methionine, which is neutral and non-polar, with valine, which is neutral and non-polar, at codon 77 of the AP2M1 protein (p.Met77Val). This variant is not present in population databases (gnomAD no frequency). This variant has not been reported in the literature in individuals affected with AP2M1-related conditions. An algorithm developed to predict the effect of missense changes on protein structure and function (PolyPhen-2) suggests that this variant is likely to be tolerated. In summary, the available evidence is currently insufficient to determine the role of this variant in disease. Therefore, it has been classified as a Variant of Uncertain Significance.

NM_004068.4(AP2M1):c.229A>G (p.Met77Val)

Gene: AP2M1 (adaptor related protein complex 2 subunit mu 1; plus strand). Cytogenetic location: 3q27.1.
Variant type: single nucleotide variant.
Coding change: c.229A>G on transcript NM_004068.4 (MANE Select); coding-DNA position 229, A replaced by G.
Protein change: p.Met77Val; replaces methionine 77 with valine.
Molecular consequence: missense variant.
Genome position (GRCh38, 1-based): chr3:184,179,011, A>G. VCF-style: chr3-184179011-A-G. GRCh37 (hg19) VCF-style: chr3-183896799-A-G.
Other names: c.229A>G, p.Met77Val (NM_001025205.2); c.304A>G, p.Met102Val (NM_001311198.2); short protein forms M102V, M77V.
Identifiers: ClinVar variation 3680208 (VCV003680208.2).
Genomic context (GRCh38, chr3:184,179,011, plus strand): 5'-CACGTTAAGCGGTCCAACATTTGGCTGGCAGCAGTCACCAAGCAGAATGTCAACGCTGCC[A>G]TGGTCTTCGAATTCCTCTATAAGATGTGTGACGTGATGGCTGCCTACTTTGGCAAGATCA-3'
Protein context (NP_004059.2, residues 67-87): AVTKQNVNAA[Met77Val]VFEFLYKMCD